The following is an entry in ClinVar:

NM_001807.6(CEL):c.1908C>T (p.Pro636=)

Gene: CEL (carboxyl ester lipase; plus strand). Cytogenetic location: 9q34.13.
Variant type: single nucleotide variant.
Coding change: c.1908C>T on transcript NM_001807.6 (MANE Select); coding-DNA position 1908, C replaced by T.
Protein change: p.Pro636=; no amino-acid change (proline 636 retained).
Molecular consequence: synonymous variant.
Genome position (GRCh38, 1-based): chr9:133,071,410, C>T. VCF-style: chr9-133071410-C-T. GRCh37 (hg19) VCF-style: chr9-135946797-C-T.
Identifiers: ClinVar variation 2659677 (VCV002659677.24), dbSNP rs1830267469, ClinGen allele CA467814131.

ClinVar aggregate classification (germline): Likely benign (1 of 4 stars; one submission).

Submission:

CeGaT Center for Human Genetics Tuebingen
Classification: Likely benign. Last evaluated: 2022-03-01. Review status: criteria provided, single submitter. Criteria: CeGaT Center For Human Genetics Tuebingen Variant Classification Criteria Version 2. Collection method: clinical testing. Allele origin: germline. Affected: yes. Observed: 1 variant allele.
Comment: CEL: PM2:Supporting, BP4, BP7